The following is an entry in ClinVar:

ClinVar aggregate classification (germline): Uncertain significance (1 of 4 stars; one submission).

Conditions:
PLXNA4-related disorder. Also called: PLXNA4-related condition.

gnomAD v4.1: 6 of 1,614,168 alleles (0.00037%); highest among the groups gnomAD compares: Admixed American, 0.0067%; no homozygotes.

Submission:

PreventionGenetics, part of Exact Sciences
Classification: Uncertain significance for PLXNA4-related condition. Last evaluated: 2026-07-01. Review status: criteria provided, single submitter. Criteria: ACMG Guidelines, 2015. Collection method: clinical testing. Allele origin: germline.
Comment: The PLXNA4 c.896G>T variant is predicted to result in the amino acid substitution p.Gly299Val. To our knowledge, this variant has not been reported in the literature. This variant is reported in 0.0018% of alleles in individuals of European (Non-Finnish) descent in gnomAD. At this time, the clinical significance of this variant is uncertain due to the absence of conclusive functional and genetic evidence.

NM_020911.2(PLXNA4):c.896G>T (p.Gly299Val)

Gene: PLXNA4 (plexin A4; minus strand). Cytogenetic location: 7q32.3.
Variant type: single nucleotide variant.
Coding change: c.896G>T on transcript NM_020911.2 (MANE Select); coding-DNA position 896, G replaced by T.
Protein change: p.Gly299Val; replaces glycine 299 with valine.
Molecular consequence: missense variant.
Genome position (GRCh38, 1-based): chr7:132,507,798, C>A on the plus strand (G>T on the coding strand, the complement: PLXNA4 is on the minus strand). VCF-style: chr7-132507798-C-A. GRCh37 (hg19) VCF-style: chr7-132192557-C-A.
Other names: c.896G>T, p.Gly299Val (NM_001105543.2, NM_001393897.1, NM_181775.4); short protein forms G299V.
Identifiers: ClinVar variation 4985372 (VCV004985372.1).